The following is an entry in ClinVar:

ClinVar aggregate classification (germline): Uncertain significance (1 of 4 stars; one submission).

Allele frequency attached by ClinVar (database versions not stated): TOPMed below 0.00001.

Submission:

Labcorp Genetics (formerly Invitae), Labcorp
Classification: Uncertain significance. Last evaluated: 2023-10-03. Review status: criteria provided, single submitter. Criteria: Invitae Variant Classification Sherloc (09022015). Collection method: clinical testing. Allele origin: germline.
Comment: This sequence change replaces serine, which is neutral and polar, with cysteine, which is neutral and slightly polar, at codon 1590 of the VCAN protein (p.Ser1590Cys). This variant is not present in population databases (gnomAD no frequency). This variant has not been reported in the literature in individuals affected with VCAN-related conditions. ClinVar contains an entry for this variant (Variation ID: 2107079). An algorithm developed to predict the effect of missense changes on protein structure and function (PolyPhen-2) suggests that this variant is likely to be disruptive. In summary, the available evidence is currently insufficient to determine the role of this variant in disease. Therefore, it has been classified as a Variant of Uncertain Significance.

NM_004385.5(VCAN):c.4769C>G (p.Ser1590Cys)

Genes: VCAN (versican; plus strand), VCAN-AS1 (VCAN antisense RNA 1; minus strand). Cytogenetic location: 5q14.3.
Variant type: single nucleotide variant.
Coding change: c.4769C>G on transcript NM_004385.5 (MANE Select); coding-DNA position 4769, C replaced by G.
Protein change: p.Ser1590Cys; replaces serine 1590 with cysteine.
Molecular consequence: missense variant. On other transcripts: intron variant (2).
Genome position (GRCh38, 1-based): chr5:83,537,772, C>G. VCF-style: chr5-83537772-C-G. GRCh37 (hg19) VCF-style: chr5-82833591-C-G.
Other names: c.1808C>G, p.Ser603Cys (NM_001164097.2); c.4004-7765C>G (NM_001164098.2); c.1043-7765C>G (NM_001126336.3); short protein forms S603C, S1590C.
Identifiers: ClinVar variation 2107079 (VCV002107079.4), dbSNP rs1746783524, ClinGen allele CA360308964.